The following is an entry in ClinVar:

ClinVar aggregate classification (germline): Uncertain significance (1 of 4 stars; one submission).

Submission:

Labcorp Genetics (formerly Invitae), Labcorp
Classification: Uncertain significance. Last evaluated: 2024-11-07. Review status: criteria provided, single submitter. Criteria: Invitae Variant Classification Sherloc (09022015). Collection method: clinical testing. Allele origin: germline.
Comment: This sequence change replaces leucine, which is neutral and non-polar, with isoleucine, which is neutral and non-polar, at codon 419 of the ADCY5 protein (p.Leu419Ile). Information on the frequency of this variant in the gnomAD database is not available, as this variant may be reported differently in the database. This variant has not been reported in the literature in individuals affected with ADCY5-related conditions. Experimental studies and prediction algorithms are not available or were not evaluated, and the functional significance of this variant is currently unknown. In summary, the available evidence is currently insufficient to determine the role of this variant in disease. Therefore, it has been classified as a Variant of Uncertain Significance.

NM_183357.3(ADCY5):c.1254_1255delinsAA (p.Leu419Ile)

Gene: ADCY5 (adenylate cyclase 5; minus strand). Cytogenetic location: 3q21.1.
Variant type: Indel.
Coding change: c.1254_1255delinsAA on transcript NM_183357.3 (MANE Select); coding-DNA positions 1254 to 1255, GC replaced by AA.
Protein change: p.Leu419Ile; replaces leucine 419 with isoleucine.
Molecular consequence: missense variant.
Genome position (GRCh38, 1-based): chr3:123,352,461-123,352,462, GC replaced by TT on the plus strand (GC replaced by AA on the coding strand, the reverse complement: ADCY5 is on the minus strand). VCF-style: chr3-123352461-GC-TT. GRCh37 (hg19) VCF-style: chr3-123071308-GC-TT.
Other names: c.204_205delinsAA, p.Leu69Ile (NM_001199642.1); c.1254_1255delinsAA, p.Leu419Ile (NM_001378259.1); short protein forms L69I, L419I.
Identifiers: ClinVar variation 3663223 (VCV003663223.2).